The following is an entry in ClinVar:

ClinVar aggregate classification (germline): Pathogenic. Review status: criteria provided, multiple submitters, no conflicts (2 of 4 stars). 4 submissions from 4 submitters: Pathogenic (4). Last evaluated 2026-06-12.

Conditions:
Renal tubulopathies.
Bartter disease type 2. Also called: Bartter syndrome, type 2, antenatal; HYPERPROSTAGLANDIN E SYNDROME 2; HYPOKALEMIC ALKALOSIS WITH HYPERCALCIURIA 2, ANTENATAL. Identifiers: Orphanet 112, Orphanet 620220, MedGen C1855849, MONDO:0009424, OMIM 241200.
Bartter syndrome. Identifiers: Orphanet 112, MedGen C0004775, MONDO:0015231.

Allele frequency attached by ClinVar (database versions not stated): gnomAD exomes 0.00002 and 0.00003; ExAC 0.00002; gnomAD 0.00003; TOPMed 0.00003.
gnomAD v4.1: 41 of 1,614,006 alleles (0.0025%); highest among the groups gnomAD compares: East Asian, 0.013%; no homozygotes.

Submissions (4):

Genetics Laboratory, Great Ormond Street Hospital NHS Foundation Trust, North Thames Genomic Laboratory Hub
Classification: Pathogenic for Renal tubulopathies. Last evaluated: 2026-06-12. Review status: criteria provided, single submitter. Criteria: ACGS Best Practice Guidelines for Variant Classification in Rare Disease 2024 v1.2. Collection method: clinical testing. Allele origin: germline. Affected: yes.
Comment: PM2_moderate, PP3_supporting, PS3_supporting, PP1_strong, PM3_moderate, PP4_supporting

Labcorp Genetics (formerly Invitae), Labcorp
Classification: Pathogenic. Last evaluated: 2025-06-29. Review status: criteria provided, single submitter. Criteria: Invitae Variant Classification Sherloc (09022015). Collection method: clinical testing. Allele origin: germline.
Comment: This sequence change replaces threonine, which is neutral and polar, with methionine, which is neutral and non-polar, at codon 71 of the KCNJ1 protein (p.Thr71Met). This variant is present in population databases (rs373367600, gnomAD 0.02%). This missense change has been observed in individuals with Bartter syndrome (PMID: 12911542, 31441846, 34663630, 34751387). ClinVar contains an entry for this variant (Variation ID: 631655). An algorithm developed to predict the effect of missense changes on protein structure and function (PolyPhen-2) suggests that this variant is likely to be disruptive. Experimental studies have shown that this missense change affects KCNJ1 function (PMID: 12911542). For these reasons, this variant has been classified as Pathogenic.

Women's Health and Genetics/Laboratory Corporation of America, LabCorp
Classification: Pathogenic for Bartter syndrome. Last evaluated: 2024-07-31. Review status: criteria provided, single submitter. Criteria: LabCorp Variant Classification Summary - May 2015. Collection method: clinical testing. Allele origin: germline.
Comment: Variant summary: KCNJ1 c.212C>T (p.Thr71Met) results in a non-conservative amino acid change located in the Potassium channel, inwardly rectifying, transmembrane domain (IPR040445) of the encoded protein sequence. Five of five in-silico tools predict a damaging effect of the variant on protein function. The variant allele was found at a frequency of 2.8e-05 in 251480 control chromosomes. c.212C>T has been reported in the literature in multiple individuals affected with Bartter Syndrome, Type 2 in cluding in multiple homozygous individuals (Peters_2003, Sinha_2022) with evidence of co-segregation (London_2022), as well as in compound heterozygotes (Li_2019, Mani_2021). These data indicate that the variant is very likely to be associated with disease. One publication reports experimental evidence evaluating an impact on protein function, however, does not allow convincing conclusions about the variant effect (Peters_2003). The following publications have been ascertained in the context of this evaluation (PMID: 31441846, 34751387, 34663630, 12911542, 32251469, 35006361, 31731488). ClinVar contains an entry for this variant (Variation ID: 631655). Based on the evidence outlined above, the variant was classified as pathogenic.

Fulgent Genetics
Classification: Pathogenic for Bartter disease type 2. Last evaluated: 2024-05-10. Review status: criteria provided, single submitter. Criteria: ACMG Guidelines, 2015. Collection method: clinical testing. Allele origin: germline.

Literature cited by the submitters: PubMed 12911542 (cited by Labcorp Genetics (formerly Invitae), Labcorp and Women's Health and Genetics/Laboratory Corporation of America, LabCorp); PubMed 31441846 (cited by Labcorp Genetics (formerly Invitae), Labcorp and Women's Health and Genetics/Laboratory Corporation of America, LabCorp); PubMed 34663630 (cited by Labcorp Genetics (formerly Invitae), Labcorp and Women's Health and Genetics/Laboratory Corporation of America, LabCorp); PubMed 34751387 (cited by Labcorp Genetics (formerly Invitae), Labcorp and Women's Health and Genetics/Laboratory Corporation of America, LabCorp); PubMed 32251469 (cited by Women's Health and Genetics/Laboratory Corporation of America, LabCorp); PubMed 35006361 (cited by Women's Health and Genetics/Laboratory Corporation of America, LabCorp); PubMed 31731488 (cited by Women's Health and Genetics/Laboratory Corporation of America, LabCorp).

NM_153766.3(KCNJ1):c.155C>T (p.Thr52Met)

Gene: KCNJ1 (potassium inwardly rectifying channel subfamily J member 1; minus strand). Cytogenetic location: 11q24.3.
Variant type: single nucleotide variant.
Coding change: c.155C>T on transcript NM_153766.3 (MANE Select); coding-DNA position 155, C replaced by T.
Protein change: p.Thr52Met; replaces threonine 52 with methionine.
Molecular consequence: missense variant.
Genome position (GRCh38, 1-based): chr11:128,840,089, G>A on the plus strand (C>T on the coding strand, the complement: KCNJ1 is on the minus strand). VCF-style: chr11-128840089-G-A. GRCh37 (hg19) VCF-style: chr11-128709984-G-A.
Other names: c.212C>T, p.Thr71Met (NM_000220.6); c.155C>T, p.Thr52Met (NM_153764.3, NM_153767.4); c.206C>T, p.Thr69Met (NM_153765.3); short protein forms T52M, T71M, T69M.
Identifiers: ClinVar variation 631655 (VCV000631655.14), dbSNP rs373367600, ClinGen allele CA6357563.